The following is an entry in ClinVar:

NM_001164508.2(NEB):c.992C>T (p.Pro331Leu)

Gene: NEB (nebulin; minus strand). Cytogenetic location: 2q23.3.
Variant type: single nucleotide variant.
Coding change: c.992C>T on transcript NM_001164508.2 (MANE Select); coding-DNA position 992, C replaced by T.
Protein change: p.Pro331Leu; replaces proline 331 with leucine.
Molecular consequence: missense variant.
Genome position (GRCh38, 1-based): chr2:151,709,699, G>A on the plus strand (C>T on the coding strand, the complement: NEB is on the minus strand). VCF-style: chr2-151709699-G-A. GRCh37 (hg19) VCF-style: chr2-152566213-G-A.
Other names: c.992C>T, p.Pro331Leu (NM_001164507.2, NM_001271208.2, NM_004543.5); short protein forms P331L.
Identifiers: ClinVar variation 4688608 (VCV004688608.1).

ClinVar aggregate classification (germline): Uncertain significance (1 of 4 stars; one submission).

Submission:

Women's Health and Genetics/Laboratory Corporation of America, LabCorp
Classification: Uncertain significance. Last evaluated: 2025-12-03. Review status: criteria provided, single submitter. Criteria: LabCorp Variant Classification Summary - May 2015. Collection method: clinical testing. Allele origin: germline.
Comment: Variant summary: NEB c.992C>T (p.Pro331Leu) results in a non-conservative amino acid change in the encoded protein sequence. Algorithms developed to predict the effect of missense changes on protein structure and function are either unavailable or do not agree on the potential impact of this missense change. The variant was absent in 236514 control chromosomes. The available data on variant occurrences in the general population are insufficient to allow any conclusion about variant significance. To our knowledge, no occurrence of c.992C>T in individuals affected with NEB-related conditions and no experimental evidence demonstrating its impact on protein function have been reported. No submitters have cited clinical-significance assessments for this variant to ClinVar. Based on the evidence outlined above, the variant was classified as uncertain significance.